The following is an entry in ClinVar:

ClinVar aggregate classification (germline): Uncertain significance (1 of 4 stars; one submission).

Conditions:
Cardiovascular phenotype. Identifiers: MedGen CN230736.

gnomAD v4.1: 6 of 1,614,066 alleles (0.00037%); highest among the groups gnomAD compares: Non-Finnish European, 0.00051%; no homozygotes.

Submission:

Ambry Genetics
Classification: Uncertain significance for Cardiovascular phenotype. Last evaluated: 2026-07-01. Review status: criteria provided, single submitter. Criteria: Ambry Variant Classification Scheme 2023. Collection method: clinical testing. Allele origin: germline.
Comment: The p.G2940E variant (also known as c.8819G>A), located in coding exon 26 of the APOB gene, results from a G to A substitution at nucleotide position 8819. The glycine at codon 2940 is replaced by glutamic acid, an amino acid with similar properties. This amino acid position is conserved. In addition, this alteration is predicted to be tolerated by in silico analysis. Based on the available evidence, the clinical significance of this variant remains unclear.

NM_000384.3(APOB):c.8819G>A (p.Gly2940Glu)

Gene: APOB (apolipoprotein B; minus strand). Cytogenetic location: 2p24.1.
Variant type: single nucleotide variant.
Coding change: c.8819G>A on transcript NM_000384.3 (MANE Select); coding-DNA position 8819, G replaced by A.
Protein change: p.Gly2940Glu; replaces glycine 2940 with glutamic acid.
Molecular consequence: missense variant.
Genome position (GRCh38, 1-based): chr2:21,008,049, C>T on the plus strand (G>A on the coding strand, the complement: APOB is on the minus strand). VCF-style: chr2-21008049-C-T. GRCh37 (hg19) VCF-style: chr2-21230921-C-T.
Other names: short protein forms G2940E.
Identifiers: ClinVar variation 5027090 (VCV005027090.1).